The following is an entry in ClinVar:

ClinVar aggregate classification (germline): Benign. Review status: criteria provided, multiple submitters, no conflicts (2 of 4 stars). 3 submissions from 3 submitters: Benign (2). 1 of the submissions does not count toward it. Last evaluated 2018-06-11.

Conditions:
CCDC47-related disorder. Also called: CCDC47-related condition.

Allele frequency attached by ClinVar (database versions not stated): gnomAD exomes 0.00162 and 0.00433; ExAC 0.00548; 1000 Genomes Project 0.01697; gnomAD 0.01714 and 0.01853; 1000 Genomes Project 30x 0.01811; TOPMed 0.01974; ESP Exome Variant Server 0.02014.
gnomAD v4.1: 5,011 of 1,589,742 alleles (0.32%); highest among the groups gnomAD compares: African/African-American, 6%; 135 homozygotes.

Submissions (6):

Labcorp Genetics (formerly Invitae), Labcorp
Classification: Benign. Last evaluated: 2018-06-11. Review status: criteria provided, single submitter. Criteria: Invitae Variant Classification Sherloc (09022015). Collection method: clinical testing. Allele origin: germline.

Breakthrough Genomics
Classification: Benign. Review status: criteria provided, single submitter. Criteria: ACMG Guidelines, 2015. Collection method: not provided. Allele origin: germline. Inheritance: Autosomal recessive inheritance. Affected: yes.

PreventionGenetics, part of Exact Sciences
Classification: Benign for CCDC47-related condition. Last evaluated: 2019-06-04. Review status: no assertion criteria provided. Collection method: clinical testing. Allele origin: germline. Not counted in ClinVar's aggregate classification.
Comment: This variant is classified as benign based on ACMG/AMP sequence variant interpretation guidelines (Richards et al. 2015 PMID: 25741868, with internal and published modifications).

Dr. Peter K. Rogan Lab, Western University
No classification provided (evidence only). Condition: Acute myeloid leukemia. Review status: no classification provided. Collection method: in vitro. Allele origin: not applicable. Functional consequence: retained intron. Not counted in ClinVar's aggregate classification.

Dr. Peter K. Rogan Lab, Western University
No classification provided (evidence only). Condition: Uterine corpus endometrial carcinoma. Review status: no classification provided. Collection method: in vitro. Allele origin: not applicable. Functional consequence: retained intron. Not counted in ClinVar's aggregate classification.

Dr. Peter K. Rogan Lab, Western University
No classification provided (evidence only). Condition: Thymoma. Review status: no classification provided. Collection method: in vitro. Allele origin: not applicable. Functional consequence: retained intron. Not counted in ClinVar's aggregate classification.

NM_020198.3(CCDC47):c.1094-3C>T

Gene: CCDC47 (coiled-coil domain containing 47; minus strand). Cytogenetic location: 17q23.3.
Variant type: single nucleotide variant.
Coding change: c.1094-3C>T on transcript NM_020198.3 (MANE Select); 3 bases into the intron before coding-DNA position 1094, C replaced by T.
Molecular consequence: intron variant.
Genome position (GRCh38, 1-based): chr17:63,752,432, G>A on the plus strand (C>T on the coding strand, the complement: CCDC47 is on the minus strand). VCF-style: chr17-63752432-G-A. GRCh37 (hg19) VCF-style: chr17-61829792-G-A.
Other names: NC_000017.10:g.61829792G>A.
Identifiers: ClinVar variation 768908 (VCV000768908.7), dbSNP rs16947066, ClinGen allele CA8703703.